The following is an entry in ClinVar:

ClinVar aggregate classification (germline): Likely benign. Review status: reviewed by expert panel (3 of 4 stars). 2 submissions from 2 submitters: Likely benign (1). 1 of the submissions does not count toward it. Last evaluated 2024-09-10.

Conditions:
Hereditary thrombocytopenia and hematological cancer predisposition syndrome associated with RUNX1. Also called: RUNX1 Familial Platelet Disorder with Associated Myeloid Malignancies; Familial Platelet Disorder with Propensity to Acute Myelogenous Leukemia; Familial thrombocytopenia with propensity to acute myelogenous leukemia; PLATELET DISORDER, ASPIRIN-LIKE. Identifiers: Orphanet 71290, MedGen C1832388, MeSH C563324, MONDO:0100083, OMIM 601399.
Hereditary thrombocytopenia and hematologic cancer predisposition syndrome. Identifiers: Orphanet 71290, MedGen CN281654, MONDO:0011071.

gnomAD v4.1: 2 of 1,539,882 alleles (0.00013%); highest among the groups gnomAD compares: Non-Finnish European, 0.00017%; no homozygotes.

Submissions (2):

ClinGen Myeloid Malignancy Variant Curation Expert Panel
Classification: Likely benign for Hereditary thrombocytopenia and hematologic cancer predisposition syndrome. Last evaluated: 2024-09-10. Review status: reviewed by expert panel. Criteria: ClinGen MyeloMalig ACMG Specifications v2. Collection method: curation. Allele origin: germline. Inheritance: Autosomal dominant inheritance.
Comment: NM_001754.5(RUNX1):c.1338C>A (p.Leu446=) is a synonymous variant which has a SpliceAI score ≤ 0.20 (0.0) (BP4). This variant has a SpliceAI score ≤ 0.20 (0.0) and evolutionary conservation algorithms predict the site as not being conserved (PhyloP score ≤ 2.0 (0.0)) (BP7). This variant is completely absent from all population databases with at least 20x coverage for RUNX1 (PM2_Supporting). In summary, this variant meets criteria to be classified as likely benign. ACMG/AMP criteria applied, as specified by the Myeloid Malignancy Variant Curation Expert Panel for RUNX1: BP4, BP7, PM2_supporting.

Labcorp Genetics (formerly Invitae), Labcorp
Classification: Likely benign for Hereditary thrombocytopenia and hematological cancer predisposition syndrome associated with RUNX1. Last evaluated: 2021-11-03. Review status: criteria provided, single submitter. Criteria: Invitae Variant Classification Sherloc (09022015). Collection method: clinical testing. Allele origin: germline. Not counted in ClinVar's aggregate classification.

NM_001754.5(RUNX1):c.1338C>A (p.Leu446=)

Gene: RUNX1 (RUNX family transcription factor 1; minus strand). Cytogenetic location: 21q22.12.
Variant type: single nucleotide variant.
Coding change: c.1338C>A on transcript NM_001754.5 (MANE Select); coding-DNA position 1338, C replaced by A.
Protein change: p.Leu446=; no amino-acid change (leucine 446 retained).
Molecular consequence: synonymous variant.
Genome position (GRCh38, 1-based): chr21:34,792,240, G>T on the plus strand (C>A on the coding strand, the complement: RUNX1 is on the minus strand). VCF-style: chr21-34792240-G-T. GRCh37 (hg19) VCF-style: chr21-36164537-G-T.
Other names: NM_001754.5(RUNX1):c.1338C>A; p.Leu446=; c.1257C>A, p.Leu419= (NM_001001890.3).
Identifiers: ClinVar variation 1559535 (VCV001559535.9), dbSNP rs769628054, ClinGen allele CA512341014.